The following is an entry in ClinVar:

NM_014974.3(DIP2C):c.3411C>T (p.Leu1137=)

Genes: DIP2C (disco interacting protein 2 homolog C; minus strand), LOC126860805 (BRD4-independent group 4 enhancer GRCh37_chr10:390524-391723; plus strand). Cytogenetic location: 10p15.3.
Variant type: single nucleotide variant.
Coding change: c.3411C>T on transcript NM_014974.3 (MANE Select); coding-DNA position 3411, C replaced by T.
Protein change: p.Leu1137=; no amino-acid change (leucine 1137 retained).
Molecular consequence: synonymous variant.
Genome position (GRCh38, 1-based): chr10:344,851, G>A on the plus strand (C>T on the coding strand, the complement: DIP2C is on the minus strand). VCF-style: chr10-344851-G-A. GRCh37 (hg19) VCF-style: chr10-390791-G-A.
Identifiers: ClinVar variation 3035275 (VCV003035275.2), dbSNP rs774357371, ClinGen allele CA5379984.

ClinVar aggregate classification (germline): Likely benign (0 of 4 stars; one submission).

Conditions:
DIP2C-related disorder. Also called: DIP2C-related condition.

Allele frequency attached by ClinVar (database versions not stated): gnomAD 0.00002; TOPMed 0.00002.
gnomAD v4.1: 22 of 1,605,148 alleles (0.0014%); highest among the groups gnomAD compares: Non-Finnish European, 0.0016%; no homozygotes.

Submission:

PreventionGenetics, part of Exact Sciences
Classification: Likely benign for DIP2C-related condition. Last evaluated: 2019-07-29. Review status: no assertion criteria provided. Collection method: clinical testing. Allele origin: germline.
Comment: This variant is classified as likely benign based on ACMG/AMP sequence variant interpretation guidelines (Richards et al. 2015 PMID: 25741868, with internal and published modifications).